The following is an entry in ClinVar:

ClinVar aggregate classification (germline): Uncertain significance (1 of 4 stars; one submission).

Allele frequency attached by ClinVar (database versions not stated): gnomAD exomes 0.00001.
gnomAD v4.1: 21 of 1,614,202 alleles (0.0013%); highest among the groups gnomAD compares: Non-Finnish European, 0.0012%; no homozygotes.

Submission:

Labcorp Genetics (formerly Invitae), Labcorp
Classification: Uncertain significance. Last evaluated: 2022-05-06. Review status: criteria provided, single submitter. Criteria: Invitae Variant Classification Sherloc (09022015). Collection method: clinical testing. Allele origin: germline.
Comment: Algorithms developed to predict the effect of missense changes on protein structure and function output the following: SIFT: "Tolerated"; PolyPhen-2: "Benign"; Align-GVGD: "Class C0". The serine amino acid residue is found in multiple mammalian species, which suggests that this missense change does not adversely affect protein function. This variant has not been reported in the literature in individuals affected with ERBB2-related conditions. This variant is present in population databases (no rsID available, gnomAD 0.0009%). This sequence change replaces asparagine, which is neutral and polar, with serine, which is neutral and polar, at codon 111 of the ERBB2 protein (p.Asn111Ser). In summary, the available evidence is currently insufficient to determine the role of this variant in disease. Therefore, it has been classified as a Variant of Uncertain Significance.

NM_004448.4(ERBB2):c.332A>G (p.Asn111Ser)

Gene: ERBB2 (erb-b2 receptor tyrosine kinase 2; plus strand). Cytogenetic location: 17q12.
Variant type: single nucleotide variant.
Coding change: c.332A>G on transcript NM_004448.4 (MANE Select); coding-DNA position 332, A replaced by G.
Protein change: p.Asn111Ser; replaces asparagine 111 with serine.
Molecular consequence: missense variant. On other transcripts: non-coding transcript variant (1), intron variant (1).
Genome position (GRCh38, 1-based): chr17:39,708,427, A>G. VCF-style: chr17-39708427-A-G. GRCh37 (hg19) VCF-style: chr17-37864680-A-G.
Other names: c.242A>G, p.Asn81Ser (NM_001005862.3, NM_001289938.2, NM_001382782.1 and 1 more transcripts); c.287A>G, p.Asn96Ser (NM_001289936.2); c.332A>G, p.Asn111Ser (NM_001289937.2, NM_001382784.1, NM_001382785.1 and 19 more transcripts); c.74-3501A>G (NM_001382804.1); c.323A>G, p.Asn108Ser (NM_001382791.1); short protein forms N108S, N96S, N81S, N111S.
Identifiers: ClinVar variation 2175575 (VCV002175575.4), dbSNP rs1340287026, ClinGen allele CA399272670.
Genomic context (GRCh38, chr17:39,708,427, plus strand): 5'-TGAGGCAGGTCCCACTGCAGAGGCTGCGGATTGTGCGAGGCACCCAGCTCTTTGAGGACA[A>G]CTATGCCCTGGCCGTGCTAGACAATGGAGACCCGCTGAACAATACCACCCCTGTCACAGG-3'
Protein context (NP_004439.2, residues 101-121): IVRGTQLFED[Asn111Ser]YALAVLDNGD